The following is an entry in ClinVar:

ClinVar aggregate classification (germline): Pathogenic (1 of 4 stars; one submission).

Conditions:
Retinoblastoma (RB1). Also called: RETINOBLASTOMA, SOMATIC. Identifiers: Orphanet 790, MedGen C0035335, MeSH D012175, MONDO:0008380, OMIM 180200, HP:0009919. Disease mechanism: loss of function. Inheritance: Both sporadic and heritable forms are tested..

Submission:

Labcorp Genetics (formerly Invitae), Labcorp
Classification: Pathogenic for Retinoblastoma. Last evaluated: 2018-12-08. Review status: criteria provided, single submitter. Criteria: Invitae Variant Classification Sherloc (09022015). Collection method: clinical testing. Allele origin: germline.
Comment: For these reasons, this variant has been classified as Pathogenic. Loss-of-function variants in RB1 are known to be pathogenic (PMID: 17096365). This variant has been observed in a family affected with retinoblastoma (PMID: 8651278). This variant is not present in population databases (ExAC no frequency). This sequence change creates a premature translational stop signal (p.Cys553*) in the RB1 gene. It is expected to result in an absent or disrupted protein product.

Literature cited by the submitters: PubMed 17096365; PubMed 8651278.

NM_000321.3(RB1):c.1659T>A (p.Cys553Ter)

Gene: RB1 (RB transcriptional corepressor 1; plus strand). Cytogenetic location: 13q14.2.
Variant type: single nucleotide variant.
Coding change: c.1659T>A on transcript NM_000321.3 (MANE Select); coding-DNA position 1659, T replaced by A.
Protein change: p.Cys553Ter; replaces cysteine 553 with a stop codon.
Molecular consequence: nonsense.
Genome position (GRCh38, 1-based): chr13:48,381,407, T>A. VCF-style: chr13-48381407-T-A. GRCh37 (hg19) VCF-style: chr13-48955543-T-A.
Other names: short protein forms C553*.
Identifiers: ClinVar variation 659061 (VCV000659061.8), dbSNP rs1593457108, ClinGen allele CA388163957.
Genomic context (GRCh38, chr13:48,381,407, plus strand): 5'-AAGTTTTATCAAAGCAGAAGGCAACTTGACAAGAGAAATGATAAAACATTTAGAACGATG[T>A]GAACATCGAATCATGGAATCCCTTGCATGGCTCTCAGTAAGTAGCTAAATAATTGAAGAA-3'